The following is an entry in ClinVar:

NC_000019.9:g.(?_12762947)_(12769344_?)del

Gene: MAN2B1 (mannosidase alpha class 2B member 1; minus strand). Cytogenetic location: 19p13.2.
Variant type: Deletion.
Identifiers: ClinVar variation 3248401 (VCV003248401.1).

ClinVar aggregate classification (germline): Pathogenic (1 of 4 stars; one submission).

Conditions:
Deficiency of alpha-mannosidase (MANSA). Also called: LYSOSOMAL ALPHA-D-MANNOSIDASE DEFICIENCY; Alpha-Mannosidosis; Mannosidosis, alpha-, types I and II. Identifiers: Orphanet 61, MedGen C0024748, MONDO:0009561, OMIM 248500.

Submission:

Labcorp Genetics (formerly Invitae), Labcorp
Classification: Pathogenic for Deficiency of alpha-mannosidase. Last evaluated: 2022-12-20. Review status: criteria provided, single submitter. Criteria: Invitae Variant Classification Sherloc (09022015). Collection method: clinical testing. Allele origin: unknown.
Comment: For these reasons, this variant has been classified as Pathogenic. This variant disrupts a region of the MAN2B1 protein in which other variant(s) (p.Gly451Cys) have been determined to be pathogenic (PMID: 21505070, 22161967). This suggests that this is a clinically significant region of the protein, and that variants that disrupt it are likely to be disease-causing. This variant has not been reported in the literature in individuals affected with MAN2B1-related conditions. This variant is a gross deletion of the genomic region encompassing exon(s) 8-16 of the MAN2B1 gene. This variant would be expected to be in-frame, preserving the integrity of the reading frame.

Literature cited by the submitters: PubMed 21505070; PubMed 22161967.